The following is an entry in ClinVar:

NM_080680.3(COL11A2):c.533G>A (p.Ser178Asn)

Gene: COL11A2 (collagen type XI alpha 2 chain; minus strand). Cytogenetic location: 6p21.32.
Variant type: single nucleotide variant.
Coding change: c.533G>A on transcript NM_080680.3 (MANE Select); coding-DNA position 533, G replaced by A.
Protein change: p.Ser178Asn; replaces serine 178 with asparagine.
Molecular consequence: missense variant.
Genome position (GRCh38, 1-based): chr6:33,188,435, C>T on the plus strand (G>A on the coding strand, the complement: COL11A2 is on the minus strand). VCF-style: chr6-33188435-C-T. GRCh37 (hg19) VCF-style: chr6-33156212-C-T.
Other names: c.533G>A, p.Ser178Asn (NM_001163771.2, NM_080679.3, NM_080681.3); short protein forms S178N.
Identifiers: ClinVar variation 1803662 (VCV001803662.1), dbSNP rs1772683041, ClinGen allele CA363611438.

ClinVar aggregate classification (germline): Uncertain significance (1 of 4 stars; one submission).

Submission:

GeneDx
Classification: Uncertain significance. Last evaluated: 2022-06-08. Review status: criteria provided, single submitter. Criteria: GeneDx Variant Classification Process June 2021. Collection method: clinical testing. Allele origin: germline. Affected: yes.
Comment: Not observed at significant frequency in large population cohorts (gnomAD); In silico analysis supports that this missense variant has a deleterious effect on protein structure/function; Has not been previously published as pathogenic or benign to our knowledge